The following is an entry in ClinVar:

NM_000277.3(PAH):c.604G>A (p.Ala202Thr)

Gene: PAH (phenylalanine hydroxylase; minus strand). Cytogenetic location: 12q23.2.
Variant type: single nucleotide variant.
Coding change: c.604G>A on transcript NM_000277.3 (MANE Select); coding-DNA position 604, G replaced by A.
Protein change: p.Ala202Thr; replaces alanine 202 with threonine.
Molecular consequence: missense variant.
Genome position (GRCh38, 1-based): chr12:102,855,238, C>T on the plus strand (G>A on the coding strand, the complement: PAH is on the minus strand). VCF-style: chr12-102855238-C-T. GRCh37 (hg19) VCF-style: chr12-103249016-C-T.
Other names: NM_001354304.2:c.604G>A; c.604G>A, p.Ala202Thr (NM_001354304.2); short protein forms A202T.
Identifiers: ClinVar variation 2573213 (VCV002573213.1), dbSNP rs2499626176, ClinGen allele CA16020827.

ClinVar aggregate classification (germline): Likely pathogenic (3 of 4 stars; one submission).

Conditions:
Phenylketonuria (PKU). Also called: FOLLING DISEASE; Phenylketonurias; Phenylketonuria (PKU); OLIGOPHRENIA PHENYLPYRUVICA. Identifiers: Orphanet 716, MedGen C0031485, MONDO:0009861, OMIM 261600. Disease mechanism: loss of function.

Submission:

ClinGen PAH Variant Curation Expert Panel
Classification: Likely pathogenic for Phenylketonuria. Last evaluated: 2023-03-16. Review status: reviewed by expert panel. Criteria: ClinGen PAH ACMG Specifications v1. Collection method: curation. Allele origin: germline. Inheritance: Autosomal recessive inheritance.
Comment: The c.604G>A (p.Ala202Thr) variant in PAH has been reported in at least one individual with classic PKU with BH4 deficiency excluded. In-vitro functional studies are unavailable. This variant is absent from population databases. Multiple lines of computational evidence support a deleterious effect. In summary, this variant meets criteria to be classified as likely pathogenic for PAH. PAH-specific ACMG/AMP criteria applied: PM2, PP3, PM3_Supporting, PP4_Moderate.